The following is an entry in ClinVar:

ClinVar aggregate classification (germline): Uncertain significance (1 of 4 stars; one submission).

Conditions:
Developmental and epileptic encephalopathy, 32 (DEE32). Also called: Epileptic encephalopathy, early infantile, 32. Identifiers: Orphanet 442835, MedGen C4225350, MONDO:0014607, OMIM 616366.

Submission:

Labcorp Genetics (formerly Invitae), Labcorp
Classification: Uncertain significance for Developmental and epileptic encephalopathy, 32. Last evaluated: 2024-09-23. Review status: criteria provided, single submitter. Criteria: Invitae Variant Classification Sherloc (09022015). Collection method: clinical testing. Allele origin: germline.
Comment: This sequence change replaces alanine, which is neutral and non-polar, with serine, which is neutral and polar, at codon 403 of the KCNA2 protein (p.Ala403Ser). This variant is not present in population databases (gnomAD no frequency). This variant has not been reported in the literature in individuals affected with KCNA2-related conditions. Invitae Evidence Modeling of protein sequence and biophysical properties (such as structural, functional, and spatial information, amino acid conservation, physicochemical variation, residue mobility, and thermodynamic stability) indicates that this missense variant is not expected to disrupt KCNA2 protein function with a negative predictive value of 80%. In summary, the available evidence is currently insufficient to determine the role of this variant in disease. Therefore, it has been classified as a Variant of Uncertain Significance.

NM_004974.4(KCNA2):c.1207G>T (p.Ala403Ser)

Gene: KCNA2 (potassium voltage-gated channel subfamily A member 2; minus strand). Cytogenetic location: 1p13.3.
Variant type: single nucleotide variant.
Coding change: c.1207G>T on transcript NM_004974.4 (MANE Select); coding-DNA position 1207, G replaced by T.
Protein change: p.Ala403Ser; replaces alanine 403 with serine.
Molecular consequence: missense variant. On other transcripts: intron variant (1).
Genome position (GRCh38, 1-based): chr1:110,603,576, C>A on the plus strand (G>T on the coding strand, the complement: KCNA2 is on the minus strand). VCF-style: chr1-110603576-C-A. GRCh37 (hg19) VCF-style: chr1-111146198-C-A.
Other names: c.894+313G>T (NM_001204269.2); short protein forms A403S.
Identifiers: ClinVar variation 2703908 (VCV002703908.3), dbSNP rs2524616294, ClinGen allele CA341601330.